The following is an entry in ClinVar:

NM_018129.4(PNPO):c.364-1G>C

Gene: PNPO (pyridoxamine 5'-phosphate oxidase; plus strand). Cytogenetic location: 17q21.32.
Variant type: single nucleotide variant.
Coding change: c.364-1G>C on transcript NM_018129.4 (MANE Select); the canonical splice acceptor site of the intron before coding-DNA position 364, G replaced by C.
Molecular consequence: splice acceptor variant.
Genome position (GRCh38, 1-based): chr17:47,945,558, G>C. VCF-style: chr17-47945558-G-C. GRCh37 (hg19) VCF-style: chr17-46022924-G-C.
Identifiers: ClinVar variation 3702113 (VCV003702113.2).

ClinVar aggregate classification (germline): Pathogenic (1 of 4 stars; one submission).

Conditions:
Pyridoxal phosphate-responsive seizures (PNPOD). Also called: EPILEPTIC ENCEPHALOPATHY, NEONATAL, PNPO-RELATED; SEIZURES, PYRIDOXINE-RESISTANT, PLP-SENSITIVE; Pyridoxamine 5-Prime-Phosphate Oxidase Deficiency; Pyridoxine-5'-phosphate oxidase deficiency; Pyridoxal 5'-Phosphate (PLP)-Dependent Epilepsy. Identifiers: Orphanet 79096, MedGen C1864723, MONDO:0012407, OMIM 610090. Disease mechanism: loss of function.

Submission:

Labcorp Genetics (formerly Invitae), Labcorp
Classification: Pathogenic for Pyridoxal phosphate-responsive seizures. Last evaluated: 2024-04-25. Review status: criteria provided, single submitter. Criteria: Invitae Variant Classification Sherloc (09022015). Collection method: clinical testing. Allele origin: germline.
Comment: This sequence change affects an acceptor splice site in intron 3 of the PNPO gene. It is expected to disrupt RNA splicing. Variants that disrupt the donor or acceptor splice site typically lead to a loss of protein function (PMID: 16199547), and loss-of-function variants in PNPO are known to be pathogenic (PMID: 15772097, 24645144). This variant is not present in population databases (gnomAD no frequency). Disruption of this splice site has been observed in individual(s) with neonatal epileptic encephalopathy (PMID: 15772097). Algorithms developed to predict the effect of sequence changes on RNA splicing suggest that this variant may disrupt the consensus splice site. For these reasons, this variant has been classified as Pathogenic.

Literature cited by the submitters: PubMed 16199547; PubMed 15772097; PubMed 24645144.